The following is an entry in ClinVar:

NM_174936.4(PCSK9):c.1464T>C (p.Ser488=)

Gene: PCSK9 (proprotein convertase subtilisin/kexin type 9; plus strand). Cytogenetic location: 1p32.3.
Variant type: single nucleotide variant.
Coding change: c.1464T>C on transcript NM_174936.4 (MANE Select); coding-DNA position 1464, T replaced by C.
Protein change: p.Ser488=; no amino-acid change (serine 488 retained).
Molecular consequence: synonymous variant. On other transcripts: non-coding transcript variant (8), intron variant (1).
Genome position (GRCh38, 1-based): chr1:55,058,608, T>C. VCF-style: chr1-55058608-T-C. GRCh37 (hg19) VCF-style: chr1-55524281-T-C.
Other names: c.1587T>C, p.Ser529= (NM_001407240.1); c.1464T>C, p.Ser488= (NM_001407241.1); c.1467T>C, p.Ser489= (NM_001407242.1); c.1407T>C, p.Ser469= (NM_001407243.1); c.1290T>C, p.Ser430= (NM_001407244.1); c.1272T>C, p.Ser424= (NM_001407245.1); c.1089T>C, p.Ser363= (NM_001407246.1); c.1180+1094T>C (NM_001407247.1).
Identifiers: ClinVar variation 921734 (VCV000921734.9), dbSNP rs142229832, ClinGen allele CA037085.

ClinVar aggregate classification (germline): Likely benign. Review status: criteria provided, multiple submitters, no conflicts (2 of 4 stars). 4 submissions from 4 submitters: Likely benign (4). Last evaluated 2025-03-11.

Conditions:
Cardiovascular phenotype. Identifiers: MedGen CN230736.
Familial hypercholesterolemia. Also called: Familial hypercholesterolemias; Familial hypercholesterolaemia. Identifiers: MedGen C0020445, MONDO:0005439.
Hypercholesterolemia, autosomal dominant, 3 (FHCL3). Also called: Familial hypercholesterolemia 3; Familial Hypercholesterolemia, Autosomal Dominant, 3; PCSK9-Related Familial Hypercholesterolemia, Autosomal Dominant. Identifiers: MedGen C1863551, MONDO:0011369, OMIM 603776.

Allele frequency attached by ClinVar (database versions not stated): gnomAD exomes below 0.00001 and 0.00001; ExAC 0.00003; gnomAD 0.00005 and 0.00006; TOPMed 0.00005; ESP Exome Variant Server 0.00031.
gnomAD v4.1: 12 of 1,611,732 alleles (0.00074%); highest among the groups gnomAD compares: African/African-American, 0.015%; no homozygotes.

Submissions (4):

Labcorp Genetics (formerly Invitae), Labcorp
Classification: Likely benign for Hypercholesterolemia, autosomal dominant, 3. Last evaluated: 2025-03-11. Review status: criteria provided, single submitter. Criteria: Invitae Variant Classification Sherloc (09022015). Collection method: clinical testing. Allele origin: germline.

All of Us Research Program, National Institutes of Health
Classification: Likely benign for Hypercholesterolemia, autosomal dominant, 3. Last evaluated: 2023-11-30. Review status: criteria provided, single submitter. Criteria: ACMG Guidelines, 2015. Collection method: clinical testing. Allele origin: germline. Inheritance: Autosomal dominant inheritance. Observed: 2 variant alleles, 2 heterozygotes.
Comment: This study involves interpretation of variants in research participants for the purpose of population health screening. Participant phenotype was not available at the time of variant classification. Additional details can be found in publication PMID: 35346344, PMCID: PMC8962531

Ambry Genetics
Classification: Likely benign for Cardiovascular phenotype. Last evaluated: 2019-08-19. Review status: criteria provided, single submitter. Criteria: Ambry Variant Classification Scheme 2023. Collection method: clinical testing. Allele origin: germline.

Color Diagnostics, LLC DBA Color Health
Classification: Likely benign for Familial hypercholesterolemia. Last evaluated: 2018-11-27. Review status: criteria provided, single submitter. Criteria: ACMG Guidelines, 2015. Collection method: clinical testing. Allele origin: germline.